The following is an entry in ClinVar:

ClinVar aggregate classification (germline): Uncertain significance (1 of 4 stars; one submission).

Submission:

Labcorp Genetics (formerly Invitae), Labcorp
Classification: Uncertain significance. Last evaluated: 2021-05-13. Review status: criteria provided, single submitter. Criteria: Invitae Variant Classification Sherloc (09022015). Collection method: clinical testing. Allele origin: germline.
Comment: This variant has not been reported in the literature in individuals with A2ML1-related conditions. Experimental studies and prediction algorithms are not available or were not evaluated, and the functional significance of this variant is currently unknown. In summary, the available evidence is currently insufficient to determine the role of this variant in disease. Therefore, it has been classified as a Variant of Uncertain Significance. This variant, c.1082_1083insTTCTTT, results in the insertion of 2 amino acid(s) to the A2ML1 protein (p.Ile361_Arg362insSerLeu), but otherwise preserves the integrity of the reading frame. This variant is not present in population databases (ExAC no frequency).

NM_144670.6(A2ML1):c.1082_1083insTTCTTT (p.Ile361_Arg362insSerLeu)

Gene: A2ML1 (alpha-2-macroglobulin like 1; plus strand). Cytogenetic location: 12p13.31.
Variant type: Insertion.
Coding change: c.1082_1083insTTCTTT on transcript NM_144670.6 (MANE Select); coding-DNA positions 1082 to 1083, TTCTTT inserted.
Protein change: p.Ile361_Arg362insSerLeu.
Molecular consequence: inframe insertion.
Genome position: GRCh38 VCF-style: chr12-8841369-A-ATTTCTT. GRCh37 (hg19) VCF-style: chr12-8993965-A-ATTTCTT.
Identifiers: ClinVar variation 1480974 (VCV001480974.8), dbSNP rs1442165320, ClinGen allele CA693118604.